The following is an entry in ClinVar:

ClinVar aggregate classification (germline): Likely benign (0 of 4 stars; one submission).

Conditions:
WAC-related disorder. Also called: WAC-related condition.

Allele frequency attached by ClinVar (database versions not stated): gnomAD 0.00001; TOPMed 0.00002.
gnomAD v4.1: 35 of 1,594,014 alleles (0.0022%); highest among the groups gnomAD compares: Non-Finnish European, 0.0029%; no homozygotes.

Submission:

PreventionGenetics, part of Exact Sciences
Classification: Likely benign for WAC-related condition. Last evaluated: 2019-09-05. Review status: no assertion criteria provided. Collection method: clinical testing. Allele origin: germline.
Comment: This variant is classified as likely benign based on ACMG/AMP sequence variant interpretation guidelines (Richards et al. 2015 PMID: 25741868, with internal and published modifications).

NM_016628.5(WAC):c.66G>T (p.Ser22=)

Genes: WAC (WW domain containing adaptor with coiled-coil; plus strand), LOC130003576 (ATAC-STARR-seq lymphoblastoid silent region 2255; plus strand). Cytogenetic location: 10p12.1.
Variant type: single nucleotide variant.
Coding change: c.66G>T on transcript NM_016628.5 (MANE Select); coding-DNA position 66, G replaced by T.
Protein change: p.Ser22=; no amino-acid change (serine 22 retained).
Molecular consequence: synonymous variant. On other transcripts: 5 prime UTR variant (1).
Genome position (GRCh38, 1-based): chr10:28,534,022, G>T. VCF-style: chr10-28534022-G-T. GRCh37 (hg19) VCF-style: chr10-28822951-G-T.
Other names: c.-70G>T (NM_100264.3); c.66G>T, p.Ser22= (NM_100486.4).
Identifiers: ClinVar variation 3053577 (VCV003053577.2), dbSNP rs1309544145, ClinGen allele CA468873950.